The following is an entry in ClinVar:

ClinVar aggregate classification (germline): Likely pathogenic (1 of 4 stars; one submission).

Conditions:
Familial Mediterranean fever (FMF). Also called: POLYSEROSITIS, FAMILIAL PAROXYSMAL; POLYSEROSITIS, RECURRENT; Periodic peritonitis; Benign paroxysmal peritonitis. Identifiers: Orphanet 342, MedGen C0031069, MONDO:0018088, OMIM 249100. Disease mechanism: gain of function.
Familial Mediterranean fever, autosomal dominant. Also called: Dominant Familial Mediterranean Fever; FMF, AUTOSOMAL DOMINANT. Identifiers: Orphanet 342, MedGen C1851347, MONDO:0007601, OMIM 134610.
Acute febrile neutrophilic dermatosis (AFND). Also called: Sweet Syndrome; Gomm Button disease. Identifiers: Orphanet 3243, MedGen C0085077, MONDO:0011959, OMIM 608068.

Submission:

Fulgent Genetics
Classification: Likely pathogenic for Familial Mediterranean fever, autosomal dominant; Familial Mediterranean fever; Acute febrile neutrophilic dermatosis. Last evaluated: 2021-06-30. Review status: criteria provided, single submitter. Criteria: ACMG Guidelines, 2015. Collection method: clinical testing. Allele origin: unknown.
Comment: This variant has been detected in individual(s) who were sent for testing of Renasight - kidney gene panel.

NM_000243.3(MEFV):c.1597_1598dup (p.Asp533fs)

Gene: MEFV (MEFV innate immunity regulator, pyrin; minus strand). Cytogenetic location: 16p13.3.
Variant type: Microsatellite.
Coding change: c.1597_1598dup on transcript NM_000243.3 (MANE Select); coding-DNA positions 1597 to 1598, 2 bases duplicated (GA; older notation c.1597_1598dupGA).
Protein change: p.Asp533fs; shifts the reading frame from aspartic acid 533.
Molecular consequence: frameshift variant.
Genome position (GRCh38, 1-based): chr16:3,246,537-3,246,538, TC duplicated on the plus strand (GA on the coding strand, the reverse complement: MEFV is on the minus strand); duplicating any 2 consecutive bases within chr16:3,246,537-3,246,540 gives the same sequence; the c. name uses the placement nearest the transcript's 3' end. VCF-style (leftmost placement, unchanged base first): chr16-3246536-G-GTC. GRCh37 (hg19) VCF-style: chr16-3296536-G-GTC.
Other names: c.964_965dup, p.Asp322fs (NM_001198536.2); short protein forms D322fs, D533fs.
Identifiers: ClinVar variation 1179055 (VCV001179055.2), dbSNP rs1179528365, ClinGen allele CA620434111.
Genomic context (GRCh38, chr16:3,246,536, plus strand): 5'-TATGCTTTCTGCAAGACACCCCAGGGTACACCACAGGACCTCGCTGTACCTGTGCAAGAT[G>GTC]TCTCCAATGTCCTAGGAGAAAAAAGAAGGAAACTGTCGGTTACCAGGCTCCTAGTGGCTG-3'